The following is an entry in ClinVar:

NM_000264.5(PTCH1):c.1128del (p.Phe376fs)

Gene: PTCH1 (patched 1; minus strand). Cytogenetic location: 9q22.32.
Variant type: Deletion.
Coding change: c.1128del on transcript NM_000264.5 (MANE Select); coding-DNA position 1128, one base deleted (C; older notation c.1128delC).
Protein change: p.Phe376fs; shifts the reading frame from phenylalanine 376.
Molecular consequence: frameshift variant. On other transcripts: non-coding transcript variant (1).
Genome position (GRCh38, 1-based): chr9:95,479,087, G deleted on the plus strand (C on the coding strand, the reverse complement: PTCH1 is on the minus strand). VCF-style (leftmost placement, unchanged base first): chr9-95479086-TG-T. GRCh37 (hg19) VCF-style: chr9-98241368-TG-T.
Other names: c.930del, p.Phe310fs (NM_001083602.3); c.1125del, p.Phe375fs (NM_001083603.3); c.675del, p.Phe225fs (NM_001083604.3, NM_001083605.3, NM_001083606.3 and 1 more transcripts); c.1128del, p.Phe376fs (NM_001354918.2); short protein forms F225fs, F375fs, F310fs, F376fs.
Identifiers: ClinVar variation 658125 (VCV000658125.7), dbSNP rs1588605746, ClinGen allele CA915947070.
Genomic context (GRCh38, chr9:95,479,086, plus strand): 5'-CCAGGATGGCTGCCGCTTTGTCCTCGTTCCAGTTGATGTGTGAGACATACTCGTACCCCT[TG>T]AAGTGCTCGTACATTTGCTTGGGAGTCATTAACTGGAACATGGTCTGCAGGGCATGGGCG-3'

ClinVar aggregate classification (germline): Pathogenic (1 of 4 stars; one submission).

Conditions:
Gorlin syndrome. Also called: Nevoid Basal Cell Carcinoma Syndrome; Basal cell nevus syndrome. Identifiers: Orphanet 377, MedGen C0004779, MONDO:0007187.

Submission:

Labcorp Genetics (formerly Invitae), Labcorp
Classification: Pathogenic for Gorlin syndrome. Last evaluated: 2026-01-26. Review status: criteria provided, single submitter. Criteria: Invitae Variant Classification Sherloc (09022015). Collection method: clinical testing. Allele origin: germline.
Comment: This sequence change creates a premature translational stop signal (p.Phe376Leufs*56) in the PTCH1 gene. It is expected to result in an absent or disrupted protein product. Loss-of-function variants in PTCH1 are known to be pathogenic (PMID: 16301862, 16419085). This variant is not present in population databases (gnomAD no frequency). This variant has not been reported in the literature in individuals affected with PTCH1-related conditions. ClinVar contains an entry for this variant (Variation ID: 658125). For these reasons, this variant has been classified as Pathogenic.

Literature cited by the submitters: PubMed 16301862; PubMed 16419085.